The following is an entry in ClinVar:

ClinVar aggregate classification (germline): Uncertain significance. Review status: criteria provided, multiple submitters, no conflicts (2 of 4 stars). 2 submissions from 2 submitters: Uncertain significance (2). Last evaluated 2024-11-28.

Conditions:
Inborn genetic diseases. Identifiers: MedGen C0950123, MeSH D030342.
Spondyloepimetaphyseal dysplasia, PAPSS2 type. Also called: BRACHYOLMIA TYPE 4 WITH MILD EPIPHYSEAL AND METAPHYSEAL CHANGES; SPONDYLODYSPLASIA AND PREMATURE PUBARCHE; SEMD, PAKISTANI TYPE. Identifiers: Orphanet 93282, MedGen C2748516, MONDO:0019666, OMIM 612847.

Allele frequency attached by ClinVar (database versions not stated): ExAC 0.00001; TOPMed 0.00002; gnomAD 0.00003.
gnomAD v4.1: 16 of 1,613,194 alleles (0.00099%); highest among the groups gnomAD compares: Admixed American, 0.027%; 1 homozygote.

Submissions (2):

Ambry Genetics
Classification: Uncertain significance for Inborn genetic diseases. Last evaluated: 2024-11-28. Review status: criteria provided, single submitter. Criteria: Ambry Variant Classification Scheme 2023. Collection method: clinical testing. Allele origin: germline.

Labcorp Genetics (formerly Invitae), Labcorp
Classification: Uncertain significance for Spondyloepimetaphyseal dysplasia, PAPSS2 type. Last evaluated: 2024-10-16. Review status: criteria provided, single submitter. Criteria: Invitae Variant Classification Sherloc (09022015). Collection method: clinical testing. Allele origin: germline.
Comment: This sequence change replaces alanine, which is neutral and non-polar, with valine, which is neutral and non-polar, at codon 22 of the PAPSS2 protein (p.Ala22Val). This variant is present in population databases (rs778128101, gnomAD 0.02%), including at least one homozygous and/or hemizygous individual. This variant has not been reported in the literature in individuals affected with PAPSS2-related conditions. ClinVar contains an entry for this variant (Variation ID: 1007271). An algorithm developed to predict the effect of missense changes on protein structure and function (PolyPhen-2) suggests that this variant¬†is likely to be tolerated. In summary, the available evidence is currently insufficient to determine the role of this variant in disease. Therefore, it has been classified as a Variant of Uncertain Significance.

NM_001015880.2(PAPSS2):c.65C>T (p.Ala22Val)

Gene: PAPSS2 (3'-phosphoadenosine 5'-phosphosulfate synthase 2; plus strand). Cytogenetic location: 10q23.31.
Variant type: single nucleotide variant.
Coding change: c.65C>T on transcript NM_001015880.2 (MANE Select); coding-DNA position 65, C replaced by T.
Protein change: p.Ala22Val; replaces alanine 22 with valine.
Molecular consequence: missense variant.
Genome position (GRCh38, 1-based): chr10:87,709,233, C>T. VCF-style: chr10-87709233-C-T. GRCh37 (hg19) VCF-style: chr10-89468990-C-T.
Other names: c.65C>T, p.Ala22Val (NM_004670.4); c.65C>T (NM_004670.3); short protein forms A22V.
Identifiers: ClinVar variation 1007271 (VCV001007271.8), dbSNP rs778128101, ClinGen allele CA5589340.
Genomic context (GRCh38, chr10:87,709,233, plus strand): 5'-CTTGGTTTTGTCTTATTTTATAGGAGAACCAGCAGAAATCCACCAATGTAGTCTATCAGG[C>T]CCACCATGTGAGCAGGAATAAGAGAGGGCAAGTGGTTGGAACAAGGGGTGGGTTCCGAGG-3'
Protein context (NP_001015880.1, residues 12-32): QQKSTNVVYQ[Ala22Val]HHVSRNKRGQ